The following is an entry in ClinVar:

ClinVar aggregate classification (germline): Likely benign (0 of 4 stars; one submission).

Conditions:
PTPRU-related disorder. Also called: PTPRU-related condition.

Allele frequency attached by ClinVar (database versions not stated): gnomAD exomes 0.00018; ExAC 0.00050; 1000 Genomes Project 0.00080; 1000 Genomes Project 30x 0.00109; gnomAD 0.00202; TOPMed 0.00222; ESP Exome Variant Server 0.00261.
gnomAD v4.1: 574 of 1,614,218 alleles (0.036%); highest among the groups gnomAD compares: African/African-American, 0.72%; 2 homozygotes.

Submission:

PreventionGenetics, part of Exact Sciences
Classification: Likely benign for PTPRU-related condition. Last evaluated: 2019-08-12. Review status: no assertion criteria provided. Collection method: clinical testing. Allele origin: germline.
Comment: This variant is classified as likely benign based on ACMG/AMP sequence variant interpretation guidelines (Richards et al. 2015 PMID: 25741868, with internal and published modifications).

NM_133178.4(PTPRU):c.3258C>T (p.Ile1086=)

Gene: PTPRU (protein tyrosine phosphatase receptor type U; plus strand). Cytogenetic location: 1p35.3.
Variant type: single nucleotide variant.
Coding change: c.3258C>T on transcript NM_133178.4 (MANE Select); coding-DNA position 3258, C replaced by T.
Protein change: p.Ile1086=; no amino-acid change (isoleucine 1086 retained).
Molecular consequence: synonymous variant.
Genome position (GRCh38, 1-based): chr1:29,315,402, C>T. VCF-style: chr1-29315402-C-T. GRCh37 (hg19) VCF-style: chr1-29641914-C-T.
Other names: c.3249C>T, p.Ile1083= (NM_001195001.2); c.3288C>T, p.Ile1096= (NM_005704.5); c.3276C>T, p.Ile1092= (NM_133177.4).
Identifiers: ClinVar variation 3035441 (VCV003035441.2), dbSNP rs139267044, ClinGen allele CA727067.